The following is an entry in ClinVar:

NM_012433.4(SF3B1):c.2078-8T>A

Gene: SF3B1 (splicing factor 3b subunit 1; minus strand). Cytogenetic location: 2q33.1.
Variant type: single nucleotide variant.
Coding change: c.2078-8T>A on transcript NM_012433.4 (MANE Select); 8 bases into the intron before coding-DNA position 2078, T replaced by A.
Molecular consequence: intron variant.
Genome position (GRCh38, 1-based): chr2:197,402,138, A>T on the plus strand (T>A on the coding strand, the complement: SF3B1 is on the minus strand). VCF-style: chr2-197402138-A-T. GRCh37 (hg19) VCF-style: chr2-198266862-A-T.
Other names: NC_000002.11:g.198266862A>T.
Identifiers: ClinVar variation 3041954 (VCV003041954.3), dbSNP rs3764989, ClinGen allele CA2042599.

ClinVar aggregate classification (germline): Likely benign (0 of 4 stars; one submission).

Conditions:
SF3B1-related disorder. Also called: SF3B1-related condition.

Allele frequency attached by ClinVar (database versions not stated): ESP Exome Variant Server 0.00846; TOPMed 0.00846; gnomAD exomes 0.00916; gnomAD 0.00928; ExAC 0.01220; 1000 Genomes Project 30x 0.01608; 1000 Genomes Project 0.01637.
gnomAD v4.1: 14,728 of 1,593,392 alleles (0.92%); highest among the groups gnomAD compares: South Asian, 3.9%; 170 homozygotes.

Submissions (38):

PreventionGenetics, part of Exact Sciences
Classification: Likely benign for SF3B1-related condition. Last evaluated: 2019-04-25. Review status: no assertion criteria provided. Collection method: clinical testing. Allele origin: germline.
Comment: This variant is classified as likely benign based on ACMG/AMP sequence variant interpretation guidelines (Richards et al. 2015 PMID: 25741868, with internal and published modifications).

Dr. Peter K. Rogan Lab, Western University
No classification provided (evidence only). Condition: Lung cancer. Review status: no classification provided. Collection method: in vitro. Allele origin: not applicable. Functional consequence: retained intron. Not counted in ClinVar's aggregate classification.

Dr. Peter K. Rogan Lab, Western University
No classification provided (evidence only). Condition: Lung cancer. Review status: no classification provided. Collection method: in vitro. Allele origin: not applicable. Functional consequence: retained intron. Not counted in ClinVar's aggregate classification.

Dr. Peter K. Rogan Lab, Western University
No classification provided (evidence only). Condition: Familial cancer of breast. Review status: no classification provided. Collection method: in vitro. Allele origin: not applicable. Functional consequence: retained intron. Not counted in ClinVar's aggregate classification.

Dr. Peter K. Rogan Lab, Western University
No classification provided (evidence only). Condition: Familial cancer of breast. Review status: no classification provided. Collection method: in vitro. Allele origin: not applicable. Functional consequence: retained intron. Not counted in ClinVar's aggregate classification.

Dr. Peter K. Rogan Lab, Western University
No classification provided (evidence only). Condition: Familial cancer of breast. Review status: no classification provided. Collection method: in vitro. Allele origin: not applicable. Functional consequence: retained intron. Not counted in ClinVar's aggregate classification.

Dr. Peter K. Rogan Lab, Western University
No classification provided (evidence only). Condition: Familial cancer of breast. Review status: no classification provided. Collection method: in vitro. Allele origin: not applicable. Functional consequence: retained intron. Not counted in ClinVar's aggregate classification.

Dr. Peter K. Rogan Lab, Western University
No classification provided (evidence only). Condition: Familial cancer of breast. Review status: no classification provided. Collection method: in vitro. Allele origin: not applicable. Functional consequence: retained intron. Not counted in ClinVar's aggregate classification.

Dr. Peter K. Rogan Lab, Western University
No classification provided (evidence only). Condition: Familial cancer of breast. Review status: no classification provided. Collection method: in vitro. Allele origin: not applicable. Functional consequence: retained intron. Not counted in ClinVar's aggregate classification.

Dr. Peter K. Rogan Lab, Western University
No classification provided (evidence only). Condition: Acute myeloid leukemia. Review status: no classification provided. Collection method: in vitro. Allele origin: not applicable. Functional consequence: retained intron. Not counted in ClinVar's aggregate classification.

Dr. Peter K. Rogan Lab, Western University
No classification provided (evidence only). Condition: Acute myeloid leukemia. Review status: no classification provided. Collection method: in vitro. Allele origin: not applicable. Functional consequence: retained intron. Not counted in ClinVar's aggregate classification.

Dr. Peter K. Rogan Lab, Western University
No classification provided (evidence only). Condition: Acute myeloid leukemia. Review status: no classification provided. Collection method: in vitro. Allele origin: not applicable. Functional consequence: retained intron. Not counted in ClinVar's aggregate classification.

Dr. Peter K. Rogan Lab, Western University
No classification provided (evidence only). Condition: Uterine corpus endometrial carcinoma. Review status: no classification provided. Collection method: in vitro. Allele origin: not applicable. Functional consequence: retained intron. Not counted in ClinVar's aggregate classification.

Dr. Peter K. Rogan Lab, Western University
No classification provided (evidence only). Condition: Cervical cancer. Review status: no classification provided. Collection method: in vitro. Allele origin: not applicable. Functional consequence: retained intron. Not counted in ClinVar's aggregate classification.

Dr. Peter K. Rogan Lab, Western University
No classification provided (evidence only). Condition: Cervical cancer. Review status: no classification provided. Collection method: in vitro. Allele origin: not applicable. Functional consequence: retained intron. Not counted in ClinVar's aggregate classification.

Dr. Peter K. Rogan Lab, Western University
No classification provided (evidence only). Condition: Sarcoma. Review status: no classification provided. Collection method: in vitro. Allele origin: not applicable. Functional consequence: retained intron. Not counted in ClinVar's aggregate classification.

Dr. Peter K. Rogan Lab, Western University
No classification provided (evidence only). Condition: Ovarian serous cystadenocarcinoma. Review status: no classification provided. Collection method: in vitro. Allele origin: not applicable. Functional consequence: retained intron. Not counted in ClinVar's aggregate classification.

Dr. Peter K. Rogan Lab, Western University
No classification provided (evidence only). Condition: Ovarian serous cystadenocarcinoma. Review status: no classification provided. Collection method: in vitro. Allele origin: not applicable. Functional consequence: retained intron. Not counted in ClinVar's aggregate classification.

Dr. Peter K. Rogan Lab, Western University
No classification provided (evidence only). Condition: Ovarian serous cystadenocarcinoma. Review status: no classification provided. Collection method: in vitro. Allele origin: not applicable. Functional consequence: retained intron. Not counted in ClinVar's aggregate classification.

Dr. Peter K. Rogan Lab, Western University
No classification provided (evidence only). Condition: Gastric cancer. Review status: no classification provided. Collection method: in vitro. Allele origin: not applicable. Functional consequence: retained intron. Not counted in ClinVar's aggregate classification.

Dr. Peter K. Rogan Lab, Western University
No classification provided (evidence only). Condition: Gastric cancer. Review status: no classification provided. Collection method: in vitro. Allele origin: not applicable. Functional consequence: retained intron. Not counted in ClinVar's aggregate classification.

Dr. Peter K. Rogan Lab, Western University
No classification provided (evidence only). Condition: Gastric cancer. Review status: no classification provided. Collection method: in vitro. Allele origin: not applicable. Functional consequence: retained intron. Not counted in ClinVar's aggregate classification.

Dr. Peter K. Rogan Lab, Western University
No classification provided (evidence only). Condition: Gastric cancer. Review status: no classification provided. Collection method: in vitro. Allele origin: not applicable. Functional consequence: retained intron. Not counted in ClinVar's aggregate classification.

Dr. Peter K. Rogan Lab, Western University
No classification provided (evidence only). Condition: Gastric cancer. Review status: no classification provided. Collection method: in vitro. Allele origin: not applicable. Functional consequence: retained intron. Not counted in ClinVar's aggregate classification.

Dr. Peter K. Rogan Lab, Western University
No classification provided (evidence only). Condition: Germ cell tumor of testis. Review status: no classification provided. Collection method: in vitro. Allele origin: not applicable. Functional consequence: retained intron. Not counted in ClinVar's aggregate classification.

Dr. Peter K. Rogan Lab, Western University
No classification provided (evidence only). Condition: Uterine carcinosarcoma. Review status: no classification provided. Collection method: in vitro. Allele origin: not applicable. Functional consequence: retained intron. Not counted in ClinVar's aggregate classification.

Dr. Peter K. Rogan Lab, Western University
No classification provided (evidence only). Condition: Malignant tumor of esophagus. Review status: no classification provided. Collection method: in vitro. Allele origin: not applicable. Functional consequence: retained intron. Not counted in ClinVar's aggregate classification.

Dr. Peter K. Rogan Lab, Western University
No classification provided (evidence only). Condition: Chronic lymphocytic leukemia/small lymphocytic lymphoma. Review status: no classification provided. Collection method: in vitro. Allele origin: not applicable. Functional consequence: retained intron. Not counted in ClinVar's aggregate classification.

Dr. Peter K. Rogan Lab, Western University
No classification provided (evidence only). Condition: Chronic lymphocytic leukemia/small lymphocytic lymphoma. Review status: no classification provided. Collection method: in vitro. Allele origin: not applicable. Functional consequence: retained intron. Not counted in ClinVar's aggregate classification.

Dr. Peter K. Rogan Lab, Western University
No classification provided (evidence only). Condition: Nonpapillary renal cell carcinoma. Review status: no classification provided. Collection method: in vitro. Allele origin: not applicable. Functional consequence: retained intron. Not counted in ClinVar's aggregate classification.

Dr. Peter K. Rogan Lab, Western University
No classification provided (evidence only). Condition: Nonpapillary renal cell carcinoma. Review status: no classification provided. Collection method: in vitro. Allele origin: not applicable. Functional consequence: retained intron. Not counted in ClinVar's aggregate classification.

Dr. Peter K. Rogan Lab, Western University
No classification provided (evidence only). Condition: Familial pancreatic carcinoma. Review status: no classification provided. Collection method: in vitro. Allele origin: not applicable. Functional consequence: retained intron. Not counted in ClinVar's aggregate classification.

Dr. Peter K. Rogan Lab, Western University
No classification provided (evidence only). Condition: Lymphoma. Review status: no classification provided. Collection method: in vitro. Allele origin: not applicable. Functional consequence: retained intron. Not counted in ClinVar's aggregate classification.

Dr. Peter K. Rogan Lab, Western University
No classification provided (evidence only). Condition: Lymphoma. Review status: no classification provided. Collection method: in vitro. Allele origin: not applicable. Functional consequence: retained intron. Not counted in ClinVar's aggregate classification.

Dr. Peter K. Rogan Lab, Western University
No classification provided (evidence only). Condition: Lymphoma. Review status: no classification provided. Collection method: in vitro. Allele origin: not applicable. Functional consequence: retained intron. Not counted in ClinVar's aggregate classification.

Dr. Peter K. Rogan Lab, Western University
No classification provided (evidence only). Condition: Lymphoma. Review status: no classification provided. Collection method: in vitro. Allele origin: not applicable. Functional consequence: retained intron. Not counted in ClinVar's aggregate classification.

Dr. Peter K. Rogan Lab, Western University
No classification provided (evidence only). Condition: Lymphoma. Review status: no classification provided. Collection method: in vitro. Allele origin: not applicable. Functional consequence: retained intron. Not counted in ClinVar's aggregate classification.

Dr. Peter K. Rogan Lab, Western University
No classification provided (evidence only). Condition: Ovarian cancer. Review status: no classification provided. Collection method: in vitro. Allele origin: not applicable. Functional consequence: retained intron. Not counted in ClinVar's aggregate classification.